The following is an entry in ClinVar:

ClinVar aggregate classification (germline): Likely benign. Review status: criteria provided, multiple submitters, no conflicts (2 of 4 stars). 3 submissions from 3 submitters: Likely benign (3). Last evaluated 2024-03-11.

Conditions:
Malignant hyperthermia, susceptibility to, 1 (MHS1). Also called: Anesthesia related hyperthermia; Malignant hyperpyrexia; Fulminating hyperpyrexia; Pharmacogenic myopathy; RYR1-Related Malignant Hyperthermia Susceptibility; Malignant hyperthermia suceptibility 1. Identifiers: Orphanet 423, MedGen C2930980, MONDO:0007783, OMIM 145600.
RYR1-related disorder. Also called: RYR1-related condition; RYR1-related disorders. Identifiers: MedGen CN239331.

Allele frequency attached by ClinVar (database versions not stated): gnomAD exomes 0.00001; ExAC 0.00005.
gnomAD v4.1: 22 of 1,548,730 alleles (0.0014%); highest among the groups gnomAD compares: South Asian, 0.0047%; no homozygotes.

Submissions (3):

Labcorp Genetics (formerly Invitae), Labcorp
Classification: Likely benign for RYR1-related disorder. Last evaluated: 2024-03-11. Review status: criteria provided, single submitter. Criteria: Invitae Variant Classification Sherloc (09022015). Collection method: clinical testing. Allele origin: germline.

All of Us Research Program, National Institutes of Health
Classification: Likely benign for Malignant hyperthermia, susceptibility to, 1. Last evaluated: 2023-04-27. Review status: criteria provided, single submitter. Criteria: ACMG Guidelines, 2015. Collection method: clinical testing. Allele origin: germline. Inheritance: Autosomal dominant inheritance. Observed: 2 variant alleles, 2 heterozygotes.
Comment: This study involves interpretation of variants in research participants for the purpose of population health screening. Participant phenotype was not available at the time of variant classification. Additional details can be found in publication PMID: 35346344, PMCID: PMC8962531

Color Diagnostics, LLC DBA Color Health
Classification: Likely benign for Malignant hyperthermia, susceptibility to, 1. Last evaluated: 2022-11-06. Review status: criteria provided, single submitter. Criteria: ACMG Guidelines, 2015. Collection method: clinical testing. Allele origin: germline.

NM_000540.3(RYR1):c.4923C>T (p.Pro1641=)

Gene: RYR1 (ryanodine receptor 1; plus strand). Cytogenetic location: 19q13.2.
Variant type: single nucleotide variant.
Coding change: c.4923C>T on transcript NM_000540.3 (MANE Select); coding-DNA position 4923, C replaced by T.
Protein change: p.Pro1641=; no amino-acid change (proline 1641 retained).
Molecular consequence: synonymous variant.
Genome position (GRCh38, 1-based): chr19:38,483,505, C>T. VCF-style: chr19-38483505-C-T. GRCh37 (hg19) VCF-style: chr19-38974145-C-T.
Other names: c.4923C>T, p.Pro1641= (NM_001042723.2).
Identifiers: ClinVar variation 1083436 (VCV001083436.10), dbSNP rs759369980, ClinGen allele CA066514.